The following is an entry in ClinVar:

ClinVar aggregate classification (germline): Likely benign (1 of 4 stars; one submission).

Allele frequency attached by ClinVar (database versions not stated): TOPMed 0.00004; gnomAD 0.00019; gnomAD exomes 0.00039; ExAC 0.00092; 1000 Genomes Project 30x 0.00141; 1000 Genomes Project 0.00160.

Submission:

CeGaT Center for Human Genetics Tuebingen
Classification: Likely benign. Last evaluated: 2023-03-01. Review status: criteria provided, single submitter. Criteria: CeGaT Center For Human Genetics Tuebingen Variant Classification Criteria Version 2. Collection method: clinical testing. Allele origin: germline. Affected: yes. Observed: 1 variant allele.
Comment: OR8B4: BP4, BP7, BS2

NM_001005196.1(OR8B4):c.622C>T (p.Leu208=)

Gene: OR8B4 (olfactory receptor family 8 subfamily B member 4; minus strand). Cytogenetic location: 11q24.2.
Variant type: single nucleotide variant.
Coding change: c.622C>T on transcript NM_001005196.1 (MANE Select); coding-DNA position 622, C replaced by T.
Protein change: p.Leu208=; no amino-acid change (leucine 208 retained).
Molecular consequence: synonymous variant.
Genome position (GRCh38, 1-based): chr11:124,424,250, G>A on the plus strand (C>T on the coding strand, the complement: OR8B4 is on the minus strand). VCF-style: chr11-124424250-G-A. GRCh37 (hg19) VCF-style: chr11-124294146-G-A.
Identifiers: ClinVar variation 2642495 (VCV002642495.24), dbSNP rs200043975, ClinGen allele CA6339794.
Genomic context (GRCh38, chr11:124,424,250, plus strand): 5'-GAATACAGAGGATGTTGGAGAGTATCAAAGCGTAAGAGATGACGATGCTTATGCTGGATA[G>A]CATGGTGATTACTCCAACAACAATGAAAAATACCAGCTCACTGACATGGGTGCTGGTGCA-3'
Protein context (NP_001005196.1, residues 198-218): FFIVVGVITM[Leu208=]SSISIVISYA